The following is an entry in ClinVar:

ClinVar aggregate classification (germline): Uncertain significance. Review status: criteria provided, multiple submitters, no conflicts (2 of 4 stars). 3 submissions from 3 submitters: Uncertain significance (3). Last evaluated 2024-10-15.

Conditions:
Hereditary cancer-predisposing syndrome. Also called: Hereditary neoplastic syndrome; Hereditary Cancer Syndrome; Neoplastic Syndromes, Hereditary; Tumor predisposition. Identifiers: Orphanet 140162, MedGen C0027672, MeSH D009386, MONDO:0015356.
Ataxia-telangiectasia syndrome (AT). Also called: Ataxia-telangiectasia, complementation group D; Cerebello-oculocutaneous telangiectasia; Immunodeficiency with ataxia telangiectasia; ATAXIA-TELANGIECTASIA, COMPLEMENTATION GROUP A; ATAXIA-TELANGIECTASIA, FRESNO VARIANT; LOUIS-BAR SYNDROME. Identifiers: Orphanet 100, MedGen C0004135, MONDO:0008840, OMIM 208900.

Allele frequency attached by ClinVar (database versions not stated): gnomAD exomes below 0.00001.
gnomAD v4.1: 1 of 1,613,858 alleles (0.000062%); highest among the groups gnomAD compares: Non-Finnish European, 0.000085%; no homozygotes.

Submissions (3):

Ambry Genetics
Classification: Uncertain significance for Hereditary cancer-predisposing syndrome. Last evaluated: 2024-10-15. Review status: criteria provided, single submitter. Criteria: Ambry Variant Classification Scheme 2023. Collection method: clinical testing. Allele origin: germline.
Comment: The c.4610A>T variant (also known as p.Q1537L), located in coding exon 29 of the ATM gene, results from an A to T substitution at nucleotide position 4610. The glutamine at codon 1537 is replaced by leucine, an amino acid with dissimilar properties. This nucleotide position is highly conserved in available vertebrate species. In silico splice site analysis predicts that this alteration will weaken the native splice donor site. RNA studies have demonstrated that this alteration results in a splice defect; the clinical impact of this abnormal splicing is unknown at this time (Ambry internal data). Based on the available evidence, the clinical significance of this variant remains unclear.

Labcorp Genetics (formerly Invitae), Labcorp
Classification: Uncertain significance for Ataxia-telangiectasia syndrome. Last evaluated: 2021-08-30. Review status: criteria provided, single submitter. Criteria: Invitae Variant Classification Sherloc (09022015). Collection method: clinical testing. Allele origin: germline.
Comment: This sequence change replaces glutamine with leucine at codon 1537 of the ATM protein (p.Gln1537Leu). The glutamine residue is moderately conserved and there is a moderate physicochemical difference between glutamine and leucine. This variant is not present in population databases (ExAC no frequency). This variant has not been reported in the literature in individuals affected with ATM-related conditions. ClinVar contains an entry for this variant (Variation ID: 419684). Algorithms developed to predict the effect of missense changes on protein structure and function are either unavailable or do not agree on the potential impact of this missense change (SIFT: "Deleterious"; PolyPhen-2: "Benign"; Align-GVGD: "Class C25"). Algorithms developed to predict the effect of sequence changes on RNA splicing suggest that this variant may disrupt the consensus splice site. In summary, the available evidence is currently insufficient to determine the role of this variant in disease. Therefore, it has been classified as a Variant of Uncertain Significance.

GeneDx
Classification: Uncertain significance. Last evaluated: 2015-08-19. Review status: criteria provided, single submitter. Criteria: GeneDx Variant Classification (06012015). Collection method: clinical testing. Allele origin: germline. Affected: yes.
Comment: This variant is denoted ATM c.4610A>T at the cDNA level, p.Gln1537Leu (Q1537L) at the protein level, and results in the change of a Glutamine to a Leucine (CAG>CTG). This variant has not, to our knowledge, been published in the literature as pathogenic or benign. ATM Gln1537Leu was not observed in approximately 6,500 individuals of European and African American ancestry in the NHLBI Exome Sequencing Project, indicating it is not a common benign variant in these populations. Since Glutamine and Leucine differ in polarity, charge, size or other properties, this is considered a non-conservative amino acid substitution. ATM Gln1537Leu occurs at a position that is conserved in mammals and is not located in a known functional domain (Tavtigian 2009, Stracker 2013). While protein based in silico analyses are inconsistent regarding the effect this variant may have on protein structure and function, multiple splicing based in silico models predict this variant to weaken the nearby natural donor site, and to possibly cause abnormal gene splicing. However, in the absence of RNA or functional studies, the actual effect of this variant is unknown. Based on currently available information, it is unclear whether ATM Gln1537Leu is pathogenic or benign. We consider it to be a variant of uncertain significance.

NM_000051.4(ATM):c.4610A>T (p.Gln1537Leu)

Gene: ATM (ATM serine/threonine kinase; plus strand). Cytogenetic location: 11q22.3.
Variant type: single nucleotide variant.
Coding change: c.4610A>T on transcript NM_000051.4 (MANE Select); coding-DNA position 4610, A replaced by T.
Protein change: p.Gln1537Leu; replaces glutamine 1537 with leucine.
Molecular consequence: missense variant.
Genome position (GRCh38, 1-based): chr11:108,292,792, A>T. VCF-style: chr11-108292792-A-T. GRCh37 (hg19) VCF-style: chr11-108163519-A-T.
Other names: c.4610A>T, p.Gln1537Leu (NM_001351834.2); short protein forms Q1537L.
Identifiers: ClinVar variation 419684 (VCV000419684.8), dbSNP rs1064794041, ClinGen allele CA16619186.